The following is an entry in ClinVar:

ClinVar aggregate classification (germline): Conflicting classifications of pathogenicity. Review status: criteria provided, conflicting classifications (1 of 4 stars). 5 submissions from 5 submitters: Uncertain significance (3); Benign (1); Likely benign (1). Last evaluated 2026-03-03.

Conditions:
ANKRD26-related disorder. Also called: ANKRD26-related condition.
Inborn genetic diseases. Identifiers: MedGen C0950123, MeSH D030342.

Allele frequency attached by ClinVar (database versions not stated): gnomAD 0.00001 and 0.00003; ExAC 0.00005; TOPMed 0.00006; gnomAD exomes 0.00007 and 0.00012; 1000 Genomes Project 0.00020; 1000 Genomes Project 30x 0.00031.
gnomAD v4.1: 46 of 1,613,986 alleles (0.0029%); highest among the groups gnomAD compares: Admixed American, 0.072%; 1 homozygote.

Submissions (5):

PreventionGenetics, part of Exact Sciences
Classification: Likely benign for ANKRD26-related condition. Last evaluated: 2026-03-03. Review status: criteria provided, single submitter. Criteria: ACMG Guidelines, 2015. Collection method: clinical testing. Allele origin: germline.
Comment: This variant is classified as likely benign based on ACMG/AMP sequence variant interpretation guidelines (Richards et al. 2015 PMID: 25741868, with internal and published modifications).

Labcorp Genetics (formerly Invitae), Labcorp
Classification: Benign. Last evaluated: 2026-02-02. Review status: criteria provided, single submitter. Criteria: Invitae Variant Classification Sherloc (09022015). Collection method: clinical testing. Allele origin: germline.

Women's Health and Genetics/Laboratory Corporation of America, LabCorp
Classification: Uncertain significance. Last evaluated: 2025-12-29. Review status: criteria provided, single submitter. Criteria: LabCorp Variant Classification Summary - May 2015. Collection method: clinical testing. Allele origin: germline.
Comment: Variant summary: ANKRD26 c.2151G>A (p.Met717Ile) results in a conservative amino acid change in the encoded protein sequence. Algorithms developed to predict the effect of missense changes on protein structure and function all suggest that this variant is likely to be tolerated. The variant allele was found at a frequency of 0.00012 in 249216 control chromosomes in the gnomAD database, including 1 homozygote. This frequency is not significantly higher than estimated for disease-causing variants in ANKRD26, allowing no conclusion about variant significance. To our knowledge, no occurrence of c.2151G>A in individuals affected with ANKRD26-related conditions and no experimental evidence demonstrating its impact on protein function have been reported. ClinVar contains an entry for this variant (Variation ID: 1337764). Based on the evidence outlined above, the variant was classified as uncertain significance.

Ambry Genetics
Classification: Uncertain significance for Inborn genetic diseases. Last evaluated: 2024-11-22. Review status: criteria provided, single submitter. Criteria: Ambry Variant Classification Scheme 2023. Collection method: clinical testing. Allele origin: germline.
Comment: The p.M717I variant (also known as c.2151G>A), located in coding exon 20 of the ANKRD26 gene, results from a G to A substitution at nucleotide position 2151. The methionine at codon 717 is replaced by isoleucine, an amino acid with highly similar properties. This amino acid position is conserved. In addition, this alteration is predicted to be tolerated by in silico analysis. Based on the available evidence, the clinical significance of this variant remains unclear.

Genetic Services Laboratory, University of Chicago
Classification: Uncertain significance. Last evaluated: 2020-10-29. Review status: criteria provided, single submitter. Criteria: ACMG Guidelines, 2015. Collection method: clinical testing. Allele origin: germline. Affected: no.
Comment: DNA sequence analysis of the ANKRD26 gene demonstrated a sequence change, c.2151G>A, in exon 20 that results in an amino acid change, p.Met717Ile. This sequence change does not appear to have been previously described in patients with ANKRD26-related disorders. This sequence change has been described in the gnomAD database with a low overall population frequency of 0.012% and a frequency of 0.087% in the Latino sub group (dbSNP rs188446159). The p.Met717Ile change affects a poorly conserved amino acid residue of the ANKRD26 protein. The p.Met717Ile substitution appears to be benign using several in-silico pathogenicity prediction tools (SIFT, PolyPhen2, Align GVGD, REVEL). Due to these contrasting evidences and the lack of functional studies, the clinical significance of the p.Met717Ile change remains unknown at this time.

NM_014915.3(ANKRD26):c.2151G>A (p.Met717Ile)

Gene: ANKRD26 (ankyrin repeat domain 26; minus strand). Cytogenetic location: 10p12.1.
Variant type: single nucleotide variant.
Coding change: c.2151G>A on transcript NM_014915.3 (MANE Select); coding-DNA position 2151, G replaced by A.
Protein change: p.Met717Ile; replaces methionine 717 with isoleucine.
Molecular consequence: missense variant.
Genome position (GRCh38, 1-based): chr10:27,043,436, C>T on the plus strand (G>A on the coding strand, the complement: ANKRD26 is on the minus strand). VCF-style: chr10-27043436-C-T. GRCh37 (hg19) VCF-style: chr10-27332365-C-T.
Other names: c.2148G>A, p.Met716Ile (NM_001256053.2); short protein forms M716I, M717I.
Identifiers: ClinVar variation 1337764 (VCV001337764.11), dbSNP rs188446159, ClinGen allele CA5448295.